The following is an entry in ClinVar:

ClinVar aggregate classification (germline): Uncertain significance (1 of 4 stars; one submission).

Submission:

GeneDx
Classification: Uncertain significance. Last evaluated: 2026-03-20. Review status: criteria provided, single submitter. Criteria: GeneDx Variant Classification Process June 2021. Collection method: clinical testing. Allele origin: germline.
Comment: Not observed at significant frequency in large population cohorts (gnomAD); In silico analysis supports that this missense variant has a deleterious effect on protein structure/function; Has not been previously published as pathogenic or benign to our knowledge

NM_020791.4(TAOK1):c.894G>T (p.Lys298Asn)

Gene: TAOK1 (TAO kinase 1; plus strand). Cytogenetic location: 17q11.2.
Variant type: single nucleotide variant.
Coding change: c.894G>T on transcript NM_020791.4 (MANE Select); coding-DNA position 894, G replaced by T.
Protein change: p.Lys298Asn; replaces lysine 298 with asparagine.
Molecular consequence: missense variant.
Genome position (GRCh38, 1-based): chr17:29,495,622, G>T. VCF-style: chr17-29495622-G-T. GRCh37 (hg19) VCF-style: chr17-27822640-G-T.
Other names: c.894G>T, p.Lys298Asn (NM_025142.1); short protein forms K298N.
Identifiers: ClinVar variation 5017161 (VCV005017161.1).